The following is an entry in ClinVar:

ClinVar aggregate classification (germline): Uncertain significance (1 of 4 stars; one submission).

Conditions:
Fanconi anemia (FA). Also called: Fanconi's anemia. Identifiers: Orphanet 84, MedGen C0015625, MeSH D005199, MONDO:0019391.

Submission:

Labcorp Genetics (formerly Invitae), Labcorp
Classification: Uncertain significance for Fanconi anemia. Last evaluated: 2019-12-01. Review status: criteria provided, single submitter. Criteria: Invitae Variant Classification Sherloc (09022015). Collection method: clinical testing. Allele origin: germline.
Comment: In summary, the available evidence is currently insufficient to determine the role of this variant in disease. Therefore, it has been classified as a Variant of Uncertain Significance. Algorithms developed to predict the effect of missense changes on protein structure and function (SIFT, PolyPhen-2, Align-GVGD) all suggest that this variant is likely to be tolerated, but these predictions have not been confirmed by published functional studies and their clinical significance is uncertain. This variant has not been reported in the literature in individuals with FANCM-related disease. This variant is not present in population databases (ExAC no frequency). This sequence change replaces valine with leucine at codon 1125 of the FANCM protein (p.Val1125Leu). The valine residue is weakly conserved and there is a small physicochemical difference between valine and leucine.

NM_020937.4(FANCM):c.3373G>C (p.Val1125Leu)

Gene: FANCM (FA complementation group M; plus strand). Cytogenetic location: 14q21.2.
Variant type: single nucleotide variant.
Coding change: c.3373G>C on transcript NM_020937.4 (MANE Select); coding-DNA position 3373, G replaced by C.
Protein change: p.Val1125Leu; replaces valine 1125 with leucine.
Molecular consequence: missense variant.
Genome position (GRCh38, 1-based): chr14:45,176,127, G>C. VCF-style: chr14-45176127-G-C. GRCh37 (hg19) VCF-style: chr14-45645330-G-C.
Other names: c.3373G>C (LRG_502t1); c.3295G>C, p.Val1099Leu (NM_001308133.2); short protein forms V1125L, V1099L.
Identifiers: ClinVar variation 658916 (VCV000658916.10), dbSNP rs1594799126, ClinGen allele CA389601257.